The following is an entry in ClinVar:

NM_206926.2(SELENON):c.1325C>G (p.Ser442Trp)

Gene: SELENON (selenoprotein N; plus strand). Cytogenetic location: 1p36.11.
Variant type: single nucleotide variant.
Coding change: c.1325C>G on transcript NM_206926.2 (MANE Select); coding-DNA position 1325, C replaced by G.
Protein change: p.Ser442Trp; replaces serine 442 with tryptophan.
Molecular consequence: missense variant.
Genome position (GRCh38, 1-based): chr1:25,813,920, C>G. VCF-style: chr1-25813920-C-G. GRCh37 (hg19) VCF-style: chr1-26140411-C-G.
Other names: c.1427C>G, p.Ser476Trp (NM_020451.3); short protein forms S476W, S442W.
Identifiers: ClinVar variation 642172 (VCV000642172.9), dbSNP rs368377980, ClinGen allele CA696880.
Genomic context (GRCh38, chr1:25,813,920, plus strand): 5'-CCCTTCTGTCTTCCTGAACAGGTTCAGGGCGGACTCTCCGGGAGACTGTCCTGGAAAGTT[C>G]GCCCATCCTCACCCTGCTCAACGAGAGCTTCATCAGCACCTGGTCCCTGGTGAAGGAGCT-3'
Protein context (NP_996809.1, residues 432-452): RTLRETVLES[Ser442Trp]PILTLLNESF

ClinVar aggregate classification (germline): Uncertain significance (1 of 4 stars; one submission).

Conditions:
Eichsfeld type congenital muscular dystrophy (CMYO3). Also called: Rigid spine muscular dystrophy 1; MYOPATHY, SEPN1-RELATED; SELENON-related myopathy; Congenital myopathy 3 with rigid spine. Identifiers: MedGen C0410180, MONDO:0100100, OMIM 602771.

Submission:

Labcorp Genetics (formerly Invitae), Labcorp
Classification: Uncertain significance for Eichsfeld type congenital muscular dystrophy. Last evaluated: 2022-01-06. Review status: criteria provided, single submitter. Criteria: Invitae Variant Classification Sherloc (09022015). Collection method: clinical testing. Allele origin: germline.
Comment: In summary, the available evidence is currently insufficient to determine the role of this variant in disease. Therefore, it has been classified as a Variant of Uncertain Significance. Advanced modeling of protein sequence and biophysical properties (such as structural, functional, and spatial information, amino acid conservation, physicochemical variation, residue mobility, and thermodynamic stability) performed at Invitae indicates that this missense variant is expected to disrupt SELENON protein function. ClinVar contains an entry for this variant (Variation ID: 642172). This variant has not been reported in the literature in individuals affected with SELENON-related conditions. This variant is present in population databases (rs368377980, gnomAD 0.002%). This sequence change replaces serine, which is neutral and polar, with tryptophan, which is neutral and slightly polar, at codon 476 of the SELENON protein (p.Ser476Trp).